The following is an entry in ClinVar:

ClinVar aggregate classification (germline): Uncertain significance (1 of 4 stars; one submission).

Allele frequency attached by ClinVar (database versions not stated): ExAC 0.00002; gnomAD 0.00002; TOPMed 0.00002.
gnomAD v4.1: 29 of 1,613,818 alleles (0.0018%); highest among the groups gnomAD compares: Non-Finnish European, 0.0025%; no homozygotes.

Submission:

Labcorp Genetics (formerly Invitae), Labcorp
Classification: Uncertain significance. Last evaluated: 2025-04-18. Review status: criteria provided, single submitter. Criteria: Invitae Variant Classification Sherloc (09022015). Collection method: clinical testing. Allele origin: germline.
Comment: This sequence change replaces serine, which is neutral and polar, with asparagine, which is neutral and polar, at codon 38 of the SETD5 protein (p.Ser38Asn). This variant is present in population databases (rs775518851, gnomAD 0.002%). This variant has not been reported in the literature in individuals affected with SETD5-related conditions. ClinVar contains an entry for this variant (Variation ID: 1375996). Invitae Evidence Modeling of protein sequence and biophysical properties (such as structural, functional, and spatial information, amino acid conservation, physicochemical variation, residue mobility, and thermodynamic stability) indicates that this missense variant is not expected to disrupt SETD5 protein function with a negative predictive value of 80%. In summary, the available evidence is currently insufficient to determine the role of this variant in disease. Therefore, it has been classified as a Variant of Uncertain Significance.

NM_001080517.3(SETD5):c.113G>A (p.Ser38Asn)

Gene: SETD5 (SET domain containing 5; plus strand). Cytogenetic location: 3p25.3.
Variant type: single nucleotide variant.
Coding change: c.113G>A on transcript NM_001080517.3 (MANE Select); coding-DNA position 113, G replaced by A.
Protein change: p.Ser38Asn; replaces serine 38 with asparagine.
Molecular consequence: missense variant. On other transcripts: 5 prime UTR variant (2).
Genome position (GRCh38, 1-based): chr3:9,433,886, G>A. VCF-style: chr3-9433886-G-A. GRCh37 (hg19) VCF-style: chr3-9475570-G-A.
Other names: c.-221G>A (NM_001292043.2); c.-262G>A (NM_001349451.2); short protein forms S38N.
Identifiers: ClinVar variation 1375996 (VCV001375996.8), dbSNP rs775518851, ClinGen allele CA2238832.